The following is an entry in ClinVar:

NM_000465.4(BARD1):c.2281A>G (p.Ser761Gly)

Gene: BARD1 (BRCA1 associated RING domain 1; minus strand). Cytogenetic location: 2q35.
Variant type: single nucleotide variant.
Coding change: c.2281A>G on transcript NM_000465.4 (MANE Select); coding-DNA position 2281, A replaced by G.
Protein change: p.Ser761Gly; replaces serine 761 with glycine.
Molecular consequence: missense variant. On other transcripts: non-coding transcript variant (3).
Genome position (GRCh38, 1-based): chr2:214,728,729, T>C on the plus strand (A>G on the coding strand, the complement: BARD1 is on the minus strand). VCF-style: chr2-214728729-T-C. GRCh37 (hg19) VCF-style: chr2-215593453-T-C.
Other names: c.2224A>G, p.Ser742Gly (NM_001282543.2); c.928A>G, p.Ser310Gly (NM_001282545.2); c.871A>G, p.Ser291Gly (NM_001282548.2); c.742A>G, p.Ser248Gly (NM_001282549.2); short protein forms S248G, S761G, S291G, S742G, S310G.
Identifiers: ClinVar variation 645078 (VCV000645078.12), dbSNP rs1475472364, ClinGen allele CA350449919.

ClinVar aggregate classification (germline): Uncertain significance. Review status: criteria provided, multiple submitters, no conflicts (2 of 4 stars). 2 submissions from 2 submitters: Uncertain significance (2). Last evaluated 2025-12-20.

Conditions:
Familial cancer of breast. Also called: Hereditary breast cancer; BREAST CANCER, FAMILIAL; hereditary breast carcinoma. Identifiers: Orphanet 227535, MedGen C0346153, MONDO:0016419, OMIM 114480. Disease mechanism: loss of function.
Hereditary cancer-predisposing syndrome. Also called: Neoplastic Syndromes, Hereditary; Hereditary neoplastic syndrome; Tumor predisposition; Hereditary Cancer Syndrome. Identifiers: Orphanet 140162, MedGen C0027672, MeSH D009386, MONDO:0015356.

Submissions (2):

Ambry Genetics
Classification: Uncertain significance for Hereditary cancer-predisposing syndrome. Last evaluated: 2025-12-20. Review status: criteria provided, single submitter. Criteria: Ambry Variant Classification Scheme 2023. Collection method: clinical testing. Allele origin: germline.
Comment: The p.S761G variant (also known as c.2281A>G), located in coding exon 11 of the BARD1 gene, results from an A to G substitution at nucleotide position 2281. The serine at codon 761 is replaced by glycine, an amino acid with similar properties. This amino acid position is not well conserved in available vertebrate species. In addition, this alteration is predicted to be tolerated by in silico analysis. Since supporting evidence is limited at this time, the clinical significance of this alteration remains unclear.

Labcorp Genetics (formerly Invitae), Labcorp
Classification: Uncertain significance for Familial cancer of breast. Last evaluated: 2021-09-01. Review status: criteria provided, single submitter. Criteria: Invitae Variant Classification Sherloc (09022015). Collection method: clinical testing. Allele origin: germline.
Comment: This sequence change replaces serine with glycine at codon 761 of the BARD1 protein (p.Ser761Gly). The serine residue is moderately conserved and there is a small physicochemical difference between serine and glycine. This variant is not present in population databases (ExAC no frequency). This variant has not been reported in the literature in individuals affected with BARD1-related conditions. Algorithms developed to predict the effect of missense changes on protein structure and function are either unavailable or do not agree on the potential impact of this missense change (SIFT: "Deleterious"; PolyPhen-2: "Benign"; Align-GVGD: "Class C0"). In summary, the available evidence is currently insufficient to determine the role of this variant in disease. Therefore, it has been classified as a Variant of Uncertain Significance.